The following is an entry in ClinVar:

NM_015570.4(AUTS2):c.3277G>A (p.Asp1093Asn)

Gene: AUTS2 (activator of transcription and developmental regulator AUTS2; plus strand). Cytogenetic location: 7q11.22.
Variant type: single nucleotide variant.
Coding change: c.3277G>A on transcript NM_015570.4 (MANE Select); coding-DNA position 3277, G replaced by A.
Protein change: p.Asp1093Asn; replaces aspartic acid 1093 with asparagine.
Molecular consequence: missense variant.
Genome position (GRCh38, 1-based): chr7:70,790,493, G>A. VCF-style: chr7-70790493-G-A. GRCh37 (hg19) VCF-style: chr7-70255479-G-A.
Other names: c.3205G>A, p.Asp1069Asn (NM_001127231.3); short protein forms D1093N, D1069N.
Identifiers: ClinVar variation 4743451 (VCV004743451.1).

ClinVar aggregate classification (germline): Uncertain significance (1 of 4 stars; one submission).

Submission:

Labcorp Genetics (formerly Invitae), Labcorp
Classification: Uncertain significance. Last evaluated: 2025-11-27. Review status: criteria provided, single submitter. Criteria: Invitae Variant Classification Sherloc (09022015). Collection method: clinical testing. Allele origin: germline.
Comment: This sequence change replaces aspartic acid, which is acidic and polar, with asparagine, which is neutral and polar, at codon 1093 of the AUTS2 protein (p.Asp1093Asn). This variant is not present in population databases (gnomAD no frequency). This variant has not been reported in the literature in individuals affected with AUTS2-related conditions. Invitae Evidence Modeling of protein sequence and biophysical properties (such as structural, functional, and spatial information, amino acid conservation, physicochemical variation, residue mobility, and thermodynamic stability) has been performed for this missense variant. However, the output from this modeling did not meet the statistical confidence thresholds required to predict the impact of this variant on AUTS2 protein function. In summary, the available evidence is currently insufficient to determine the role of this variant in disease. Therefore, it has been classified as a Variant of Uncertain Significance.